The following is an entry in ClinVar:

NM_001365276.2(TNXB):c.1038_1039del (p.Cys346fs)

Gene: TNXB (tenascin XB; minus strand). Cytogenetic location: 6p21.33.
Variant type: Microsatellite.
Coding change: c.1038_1039del on transcript NM_001365276.2 (MANE Select); coding-DNA positions 1038 to 1039, 2 bases deleted (TG; older notation c.1038_1039delTG).
Protein change: p.Cys346fs; shifts the reading frame from cysteine 346.
Molecular consequence: frameshift variant.
Genome position (GRCh38, 1-based): chr6:32,096,814-32,096,815, CA deleted on the plus strand (TG on the coding strand, the reverse complement: TNXB is on the minus strand); deleting any 2 consecutive bases within chr6:32,096,814-32,096,817 gives the same sequence; the c. name uses the placement nearest the transcript's 3' end. VCF-style (leftmost placement, unchanged base first): chr6-32096813-CCA-C. GRCh37 (hg19) VCF-style: chr6-32064590-CCA-C.
Other names: c.1038_1039del, p.Cys346fs (NM_001428335.1, NM_019105.8); short protein forms C346fs.
Identifiers: ClinVar variation 5016041 (VCV005016041.1).

ClinVar aggregate classification (germline): Pathogenic (1 of 4 stars; one submission).

Conditions:
Ehlers-Danlos syndrome due to tenascin-X deficiency (EDSCLL1). Also called: EDS DUE TO TNX DEFICIENCY; TNX DEFICIENCY; Ehlers-Danlos syndrome, classic-like, 1; EHLERS-DANLOS SYNDROME, CLASSIC-LIKE; TNXB-Related Classical-Like Ehlers-Danlos Syndrome. Identifiers: Orphanet 230839, MedGen C1848029, MONDO:0011670, OMIM 606408.

Submission:

Myriad Genetics, Inc.
Classification: Pathogenic for Ehlers-Danlos syndrome due to tenascin-X deficiency. Last evaluated: 2026-06-15. Review status: criteria provided, single submitter. Criteria: Myriad Autosomal Dominant, Autosomal Recessive and X-Linked Classification Criteria (2023). Collection method: clinical testing. Allele origin: unknown.
Comment: NM_019105.6(TNXB):c.1038_1039delTG(C346Wfs*94) is expected to be pathogenic in the context of classical-like Ehlers-Danlos syndrome, TNXB-related. This variant is predicted to lead to an abnormal or absent protein product due to the creation of a premature termination codon in TNXB, a gene where loss-of-function variants are known to be pathogenic. Please note: this variant was assessed in the context of healthy population screening.